The following is an entry in ClinVar:

NM_001018005.2(TPM1):c.374G>A (p.Arg125Lys)

Gene: TPM1 (tropomyosin 1; plus strand). Cytogenetic location: 15q22.2.
Variant type: single nucleotide variant.
Coding change: c.374G>A on transcript NM_001018005.2 (MANE Select); coding-DNA position 374, G replaced by A.
Protein change: p.Arg125Lys; replaces arginine 125 with lysine.
Molecular consequence: missense variant. On other transcripts: non-coding transcript variant (17).
Genome position (GRCh38, 1-based): chr15:63,057,118, G>A. VCF-style: chr15-63057118-G-A. GRCh37 (hg19) VCF-style: chr15-63349317-G-A.
Other names: c.374G>A, p.Arg125Lys (NM_000366.6, NM_001018004.2, NM_001018006.2 and 20 more transcripts); c.266G>A, p.Arg89Lys (NM_001018008.2, NM_001301289.2, NM_001330344.2 and 9 more transcripts); c.500G>A, p.Arg167Lys (NM_001365778.1, NM_001407322.1, NM_001407323.1 and 1 more transcripts); short protein forms R125K, R167K, R89K.
Identifiers: ClinVar variation 4712638 (VCV004712638.1).

ClinVar aggregate classification (germline): Uncertain significance (1 of 4 stars; one submission).

Conditions:
Hypertrophic cardiomyopathy. Also called: HYPERTROPHIC MYOCARDIOPATHY. Identifiers: Orphanet 217569, MedGen C0007194, MeSH D002312, MONDO:0005045, HP:0001639.

Submission:

Labcorp Genetics (formerly Invitae), Labcorp
Classification: Uncertain significance for Hypertrophic cardiomyopathy. Last evaluated: 2025-02-11. Review status: criteria provided, single submitter. Criteria: Invitae Variant Classification Sherloc (09022015). Collection method: clinical testing. Allele origin: germline.
Comment: This sequence change replaces arginine, which is basic and polar, with lysine, which is basic and polar, at codon 125 of the TPM1 protein (p.Arg125Lys). This variant also falls at the last nucleotide of exon 3, which is part of the consensus splice site for this exon. This variant is not present in population databases (gnomAD no frequency). This variant has not been reported in the literature in individuals affected with TPM1-related conditions. An algorithm developed to predict the effect of missense changes on protein structure and function (PolyPhen-2) suggests that this variant is likely to be disruptive. Variants that disrupt the consensus splice site are a relatively common cause of aberrant splicing (PMID: 17576681, 9536098). Algorithms developed to predict the effect of sequence changes on RNA splicing suggest that this variant may disrupt the consensus splice site. In summary, the available evidence is currently insufficient to determine the role of this variant in disease. Therefore, it has been classified as a Variant of Uncertain Significance.

Literature cited by the submitters: PubMed 17576681; PubMed 9536098.